The following is an entry in ClinVar:

NM_001040108.2(MLH3):c.3281-7T>C

Gene: MLH3 (mutL homolog 3; minus strand). Cytogenetic location: 14q24.3.
Variant type: single nucleotide variant.
Coding change: c.3281-7T>C on transcript NM_001040108.2 (MANE Select); 7 bases into the intron before coding-DNA position 3281, T replaced by C.
Molecular consequence: intron variant.
Genome position (GRCh38, 1-based): chr14:75,042,484, A>G on the plus strand (T>C on the coding strand, the complement: MLH3 is on the minus strand). VCF-style: chr14-75042484-A-G. GRCh37 (hg19) VCF-style: chr14-75509187-A-G.
Other names: c.3281-7T>C (NM_014381.3).
Identifiers: ClinVar variation 2152295 (VCV002152295.5), dbSNP rs887233770, ClinGen allele CA615059455.

ClinVar aggregate classification (germline): Likely benign. Review status: criteria provided, multiple submitters, no conflicts (2 of 4 stars). 2 submissions from 2 submitters: Likely benign (2). Last evaluated 2026-04-28.

Conditions:
Colorectal cancer, hereditary nonpolyposis, type 7. Identifiers: Orphanet 144, MedGen C1858380, MONDO:0013725, OMIM 614385.

Allele frequency attached by ClinVar (database versions not stated): TOPMed below 0.00001.
gnomAD v4.1: 1 of 1,604,788 alleles (0.000062%); no homozygotes.

Submissions (2):

Myriad Genetics, Inc.
Classification: Likely benign for Colorectal cancer, hereditary nonpolyposis, type 7. Last evaluated: 2026-04-28. Review status: criteria provided, single submitter. Criteria: Myriad Autosomal Dominant, Autosomal Recessive and X-Linked Classification Criteria (2023). Collection method: clinical testing. Allele origin: unknown.
Comment: This variant is considered likely benign. This variant is intronic and is not expected to impact mRNA splicing.

Labcorp Genetics (formerly Invitae), Labcorp
Classification: Likely benign for Colorectal cancer, hereditary nonpolyposis, type 7. Last evaluated: 2022-01-13. Review status: criteria provided, single submitter. Criteria: Invitae Variant Classification Sherloc (09022015). Collection method: clinical testing. Allele origin: germline.